The following is an entry in ClinVar:

ClinVar aggregate classification (germline): Uncertain significance (1 of 4 stars; one submission).

Submission:

Labcorp Genetics (formerly Invitae), Labcorp
Classification: Uncertain significance. Last evaluated: 2024-09-23. Review status: criteria provided, single submitter. Criteria: Invitae Variant Classification Sherloc (09022015). Collection method: clinical testing. Allele origin: germline.
Comment: This variant, c.415_417del, results in the deletion of 1 amino acid(s) of the RELA protein (p.Asn139del), but otherwise preserves the integrity of the reading frame. This variant is not present in population databases (gnomAD no frequency). This variant has not been reported in the literature in individuals affected with RELA-related conditions. Experimental studies and prediction algorithms are not available or were not evaluated, and the functional significance of this variant is currently unknown. In summary, the available evidence is currently insufficient to determine the role of this variant in disease. Therefore, it has been classified as a Variant of Uncertain Significance.

NM_021975.4(RELA):c.409AAC[2] (p.Asn139del)

Gene: RELA (RELA proto-oncogene, NF-kB subunit; minus strand). Cytogenetic location: 11q13.1.
Variant type: Microsatellite.
Coding change: c.409AAC[2] on transcript NM_021975.4 (MANE Select); two copies in a row of the 3-base unit AAC starting at c.409; the reference has three copies in a row; one copy, 3 bases deleted.
Protein change: p.Asn139del; deletes asparagine 139.
Molecular consequence: intron variant (on NM_001404661.1).
Genome position (GRCh38, 1-based): chr11:65,660,134-65,660,136, GTT deleted on the plus strand (AAC on the coding strand, the reverse complement: RELA is on the minus strand); deleting any 3 consecutive bases within chr11:65,660,134-65,660,143 gives the same sequence; the position shown is the placement nearest the transcript's 3' end. VCF-style (leftmost placement, unchanged base first): chr11-65660133-GGTT-G. GRCh37 (hg19) VCF-style: chr11-65427604-GGTT-G.
Other names: c.409AAC[2], p.Asn139del (NM_001145138.2, NM_001243984.2, NM_001243985.2 and 2 more transcripts); c.442AAC[2], p.Asn150del (NM_001404657.1); c.382AAC[2], p.Asn130del (NM_001404658.1); c.316AAC[2], p.Asn108del (NM_001404662.1, NM_001404663.1); c.47-345AAC[2] (NM_001404661.1); short protein forms N130del, N108del, N139del, N150del.
Identifiers: ClinVar variation 3721310 (VCV003721310.2).